The following is an entry in ClinVar:

ClinVar aggregate classification (germline): Uncertain significance (1 of 4 stars; one submission).

Allele frequency attached by ClinVar (database versions not stated): gnomAD exomes 0.00001.
gnomAD v4.1: 3 of 1,611,732 alleles (0.00019%); highest among the groups gnomAD compares: Non-Finnish European, 0.00025%; no homozygotes.

Submission:

Labcorp Genetics (formerly Invitae), Labcorp
Classification: Uncertain significance. Last evaluated: 2023-05-08. Review status: criteria provided, single submitter. Criteria: Invitae Variant Classification Sherloc (09022015). Collection method: clinical testing. Allele origin: germline.
Comment: This variant is not present in population databases (gnomAD no frequency). This variant has not been reported in the literature in individuals affected with KLHL7-related conditions. ClinVar contains an entry for this variant (Variation ID: 1970189). An algorithm developed to predict the effect of missense changes on protein structure and function (PolyPhen-2) suggests that this variant is likely to be disruptive. In summary, the available evidence is currently insufficient to determine the role of this variant in disease. Therefore, it has been classified as a Variant of Uncertain Significance. This sequence change replaces glutamic acid, which is acidic and polar, with alanine, which is neutral and non-polar, at codon 84 of the KLHL7 protein (p.Glu84Ala).

NM_001031710.3(KLHL7):c.251A>C (p.Glu84Ala)

Gene: KLHL7 (kelch like family member 7; plus strand). Cytogenetic location: 7p15.3.
Variant type: single nucleotide variant.
Coding change: c.251A>C on transcript NM_001031710.3 (MANE Select); coding-DNA position 251, A replaced by C.
Protein change: p.Glu84Ala; replaces glutamic acid 84 with alanine.
Molecular consequence: missense variant. On other transcripts: non-coding transcript variant (2).
Genome position (GRCh38, 1-based): chr7:23,124,715, A>C. VCF-style: chr7-23124715-A-C. GRCh37 (hg19) VCF-style: chr7-23164334-A-C.
Other names: c.251A>C, p.Glu84Ala (NM_001172428.2); c.107A>C, p.Glu36Ala (NM_018846.5); short protein forms E36A, E84A.
Identifiers: ClinVar variation 1970189 (VCV001970189.5), dbSNP rs2534809749, ClinGen allele CA366974891.
Genomic context (GRCh38, chr7:23,124,715, plus strand): 5'-AGATGCCATTTATGTTTCTTCTCTTCATTGTAGCTAACATGCTTGAATCAAAGTCCTTTG[A>C]AGTAGAACTCAAAGATGCTGAACCTGATATTATTGAACAACTGGTGGAATTTGCTTATAC-3'
Protein context (NP_001026880.2, residues 74-94): TTNMLESKSF[Glu84Ala]VELKDAEPDI